The following is an entry in ClinVar:

ClinVar aggregate classification (germline): Uncertain significance (0 of 4 stars; one submission).

Conditions:
BBS9-related disorder. Also called: BBS9-related condition.

Submission:

PreventionGenetics, part of Exact Sciences
Classification: Uncertain significance for BBS9-related condition. Last evaluated: 2023-12-27. Review status: no assertion criteria provided. Collection method: clinical testing. Allele origin: germline.
Comment: The BBS9 c.442G>A variant is predicted to result in the amino acid substitution p.Gly148Ser. Additionally, this variant affects the last nucleotide in exon 5 and is predicted to affect the adjacent splice site (SpliceAI, Jaganathan et al. 2019. PubMed ID: 30661751). To our knowledge, this variant has not been reported in the literature. This variant is reported in 0.0033% of alleles in individuals of South Asian descent in gnomAD. At this time, the clinical significance of this variant is uncertain due to the absence of conclusive functional and genetic evidence.

NM_198428.3(BBS9):c.442G>A (p.Gly148Ser)

Gene: BBS9 (Bardet-Biedl syndrome 9; plus strand). Cytogenetic location: 7p14.3.
Variant type: single nucleotide variant.
Coding change: c.442G>A on transcript NM_198428.3 (MANE Select); coding-DNA position 442, G replaced by A.
Protein change: p.Gly148Ser; replaces glycine 148 with serine.
Molecular consequence: missense variant. On other transcripts: non-coding transcript variant (3).
Genome position (GRCh38, 1-based): chr7:33,177,591, G>A. VCF-style: chr7-33177591-G-A. GRCh37 (hg19) VCF-style: chr7-33217203-G-A.
Other names: c.442G>A, p.Gly148Ser (NM_001033604.2, NM_001033605.2, NM_001348036.1 and 5 more transcripts); c.76G>A, p.Gly26Ser (NM_001348037.3, NM_001348044.3, NM_001348045.3 and 1 more transcripts); c.169G>A, p.Gly57Ser (NM_001348038.3, NM_001348039.3); c.307G>A, p.Gly103Ser (NM_001348042.3); short protein forms G103S, G148S, G26S, G57S.
Identifiers: ClinVar variation 3349142 (VCV003349142.1).